The following is an entry in ClinVar:

ClinVar aggregate classification (germline): Uncertain significance. Review status: criteria provided, multiple submitters, no conflicts (2 of 4 stars). 2 submissions from 2 submitters: Uncertain significance (2). Last evaluated 2024-07-19.

Allele frequency attached by ClinVar (database versions not stated): gnomAD exomes below 0.00001; gnomAD 0.00001.
gnomAD v4.1: 15 of 1,612,696 alleles (0.00093%); highest among the groups gnomAD compares: African/African-American, 0.0013%; no homozygotes.

Submissions (2):

Blueprint Genetics
Classification: Uncertain significance. Last evaluated: 2024-07-19. Review status: criteria provided, single submitter. Criteria: ACMG Guidelines, 2015. Collection method: clinical testing. Allele origin: germline.

Labcorp Genetics (formerly Invitae), Labcorp
Classification: Uncertain significance. Last evaluated: 2022-08-16. Review status: criteria provided, single submitter. Criteria: Invitae Variant Classification Sherloc (09022015). Collection method: clinical testing. Allele origin: germline.
Comment: In summary, the available evidence is currently insufficient to determine the role of this variant in disease. Therefore, it has been classified as a Variant of Uncertain Significance. Algorithms developed to predict the effect of missense changes on protein structure and function output the following: SIFT: "Tolerated"; PolyPhen-2: "Benign"; Align-GVGD: "Class C0". The alanine amino acid residue is found in multiple mammalian species, which suggests that this missense change does not adversely affect protein function. ClinVar contains an entry for this variant (Variation ID: 1481236). This variant has not been reported in the literature in individuals affected with CDT1-related conditions. This variant is present in population databases (no rsID available, gnomAD 0.0009%). This sequence change replaces threonine, which is neutral and polar, with alanine, which is neutral and non-polar, at codon 517 of the CDT1 protein (p.Thr517Ala).

NM_030928.4(CDT1):c.1549A>G (p.Thr517Ala)

Gene: CDT1 (chromatin licensing and DNA replication factor 1; plus strand). Cytogenetic location: 16q24.3.
Variant type: single nucleotide variant.
Coding change: c.1549A>G on transcript NM_030928.4 (MANE Select); coding-DNA position 1549, A replaced by G.
Protein change: p.Thr517Ala; replaces threonine 517 with alanine.
Molecular consequence: missense variant.
Genome position (GRCh38, 1-based): chr16:88,808,186, A>G. VCF-style: chr16-88808186-A-G. GRCh37 (hg19) VCF-style: chr16-88874594-A-G.
Other names: short protein forms T517A.
Identifiers: ClinVar variation 1481236 (VCV001481236.9), dbSNP rs1219971869, ClinGen allele CA397083336.